The following is an entry in ClinVar:

NM_006214.4(PHYH):c.802C>T (p.Gln268Ter)

Gene: PHYH (phytanoyl-CoA 2-hydroxylase; minus strand). Cytogenetic location: 10p13.
Variant type: single nucleotide variant.
Coding change: c.802C>T on transcript NM_006214.4 (MANE Select); coding-DNA position 802, C replaced by T.
Protein change: p.Gln268Ter; replaces glutamine 268 with a stop codon.
Molecular consequence: nonsense.
Genome position (GRCh38, 1-based): chr10:13,283,716, G>A on the plus strand (C>T on the coding strand, the complement: PHYH is on the minus strand). VCF-style: chr10-13283716-G-A. GRCh37 (hg19) VCF-style: chr10-13325716-G-A.
Other names: c.502C>T, p.Gln168Ter (NM_001037537.2, NM_001323080.2); c.808C>T, p.Gln270Ter (NM_001323082.2); c.538C>T, p.Gln180Ter (NM_001323083.2); c.508C>T, p.Gln170Ter (NM_001323084.2); short protein forms Q270*, Q168*, Q170*, Q180*, Q268*.
Identifiers: ClinVar variation 2810432 (VCV002810432.3), dbSNP rs2538634781, ClinGen allele CA376034094.

ClinVar aggregate classification (germline): Pathogenic (1 of 4 stars; one submission).

Allele frequency attached by ClinVar (database versions not stated): gnomAD exomes below 0.00001.
gnomAD v4.1: 1 of 1,614,064 alleles (0.000062%); highest among the groups gnomAD compares: Non-Finnish European, 0.000085%; no homozygotes.

Submission:

Labcorp Genetics (formerly Invitae), Labcorp
Classification: Pathogenic. Last evaluated: 2022-10-28. Review status: criteria provided, single submitter. Criteria: Invitae Variant Classification Sherloc (09022015). Collection method: clinical testing. Allele origin: germline.
Comment: This sequence change creates a premature translational stop signal (p.Gln268*) in the PHYH gene. It is expected to result in an absent or disrupted protein product. Loss-of-function variants in PHYH are known to be pathogenic (PMID: 9326940, 14974078). This variant is not present in population databases (gnomAD no frequency). For these reasons, this variant has been classified as Pathogenic. This variant has not been reported in the literature in individuals affected with PHYH-related conditions.

Literature cited by the submitters: PubMed 9326940; PubMed 14974078.